The following is an entry in ClinVar:

NM_003072.5(SMARCA4):c.1575G>C (p.Glu525Asp)

Gene: SMARCA4 (SWI/SNF related BAF chromatin remodeling complex subunit ATPase 4; plus strand). Cytogenetic location: 19p13.2.
Variant type: single nucleotide variant.
Coding change: c.1575G>C on transcript NM_003072.5 (MANE Select); coding-DNA position 1575, G replaced by C.
Protein change: p.Glu525Asp; replaces glutamic acid 525 with aspartic acid.
Molecular consequence: missense variant. On other transcripts: non-coding transcript variant (1).
Genome position (GRCh38, 1-based): chr19:10,994,983, G>C. VCF-style: chr19-10994983-G-C. GRCh37 (hg19) VCF-style: chr19-11105659-G-C.
Other names: c.1575G>C, p.Glu525Asp (NM_001128844.3, NM_001128845.2, NM_001128846.2 and 6 more transcripts); short protein forms E525D.
Identifiers: ClinVar variation 4802555 (VCV004802555.1).
Genomic context (GRCh38, chr19:10,994,983, plus strand): 5'-CACGTACCATGCCAACACGGAGCGGGAGCAGAAGAAAGAGAACGAGCGGATCGAGAAGGA[G>C]CGCATGCGGAGGCTCATGGTATGGTCCTGCCTTCTTGACGTGCGCTCTTCTACATGTGTA-3'
Protein context (NP_003063.2, residues 515-535): QKKENERIEK[Glu525Asp]RMRRLMAEDE

ClinVar aggregate classification (germline): Uncertain significance (1 of 4 stars; one submission).

Conditions:
Rhabdoid tumor predisposition syndrome 2 (RTPS2). Identifiers: Orphanet 231108, Orphanet 69077, MedGen C2750074, MONDO:0013224, OMIM 613325.

Submission:

Labcorp Genetics (formerly Invitae), Labcorp
Classification: Uncertain significance for Rhabdoid tumor predisposition syndrome 2. Last evaluated: 2025-08-04. Review status: criteria provided, single submitter. Criteria: Invitae Variant Classification Sherloc (09022015). Collection method: clinical testing. Allele origin: germline.
Comment: This sequence change replaces glutamic acid, which is acidic and polar, with aspartic acid, which is acidic and polar, at codon 525 of the SMARCA4 protein (p.Glu525Asp). This variant is not present in population databases (gnomAD no frequency). This variant has not been reported in the literature in individuals affected with SMARCA4-related conditions. Invitae Evidence Modeling of protein sequence and biophysical properties (such as structural, functional, and spatial information, amino acid conservation, physicochemical variation, residue mobility, and thermodynamic stability) indicates that this missense variant is expected to disrupt SMARCA4 protein function with a positive predictive value of 95%. In summary, the available evidence is currently insufficient to determine the role of this variant in disease. Therefore, it has been classified as a Variant of Uncertain Significance.